The following is an entry in ClinVar:

ClinVar aggregate classification (germline): Uncertain significance. Review status: criteria provided, multiple submitters, no conflicts (2 of 4 stars). 2 submissions from 2 submitters: Uncertain significance (2). Last evaluated 2025-04-28.

Submissions (2):

Labcorp Genetics (formerly Invitae), Labcorp
Classification: Uncertain significance. Last evaluated: 2025-04-28. Review status: criteria provided, single submitter. Criteria: Invitae Variant Classification Sherloc (09022015). Collection method: clinical testing. Allele origin: germline.
Comment: This sequence change replaces leucine, which is neutral and non-polar, with arginine, which is basic and polar, at codon 1012 of the RP1 protein (p.Leu1012Arg). This variant is not present in population databases (gnomAD no frequency). This variant has not been reported in the literature in individuals affected with RP1-related conditions. ClinVar contains an entry for this variant (Variation ID: 1045176). An algorithm developed to predict the effect of missense changes on protein structure and function (PolyPhen-2) suggests that this variant is likely to be disruptive. In summary, the available evidence is currently insufficient to determine the role of this variant in disease. Therefore, it has been classified as a Variant of Uncertain Significance.

Blueprint Genetics
Classification: Uncertain significance. Last evaluated: 2022-04-28. Review status: criteria provided, single submitter. Criteria: ACMG Guidelines, 2015. Collection method: clinical testing. Allele origin: germline.

NM_006269.2(RP1):c.3035T>G (p.Leu1012Arg)

Gene: RP1 (RP1 axonemal microtubule associated; plus strand). Cytogenetic location: 8q12.1.
Variant type: single nucleotide variant.
Coding change: c.3035T>G on transcript NM_006269.2 (MANE Select); coding-DNA position 3035, T replaced by G.
Protein change: p.Leu1012Arg; replaces leucine 1012 with arginine.
Molecular consequence: missense variant. On other transcripts: intron variant (1).
Genome position (GRCh38, 1-based): chr8:54,626,917, T>G. VCF-style: chr8-54626917-T-G. GRCh37 (hg19) VCF-style: chr8-55539477-T-G.
Other names: c.787+4629T>G (NM_001375654.1); short protein forms L1012R.
Identifiers: ClinVar variation 1045176 (VCV001045176.9), dbSNP rs1806073976, ClinGen allele CA370995189.